The following is an entry in ClinVar:

ClinVar aggregate classification (germline): Uncertain significance (1 of 4 stars; one submission).

Conditions:
PCNT-related disorder. Also called: PCNT-related condition.

gnomAD v4.1: 29 of 1,612,550 alleles (0.0018%); highest among the groups gnomAD compares: Admixed American, 0.0017%; no homozygotes.

Submission:

PreventionGenetics, part of Exact Sciences
Classification: Uncertain significance for PCNT-related condition. Last evaluated: 2026-01-13. Review status: criteria provided, single submitter. Criteria: ACMG Guidelines, 2015. Collection method: clinical testing. Allele origin: germline.
Comment: The PCNT c.8294G>A variant is predicted to result in the amino acid substitution p.Arg2765Gln. To our knowledge, this variant has not been reported in the literature. This variant is reported in 0.0027% of alleles in individuals of European (Non-Finnish) descent in gnomAD. At this time, the clinical significance of this variant is uncertain due to the absence of conclusive functional and genetic evidence.

NM_006031.6(PCNT):c.8294G>A (p.Arg2765Gln)

Gene: PCNT (pericentrin; plus strand). Cytogenetic location: 21q22.3.
Variant type: single nucleotide variant.
Coding change: c.8294G>A on transcript NM_006031.6 (MANE Select); coding-DNA position 8294, G replaced by A.
Protein change: p.Arg2765Gln; replaces arginine 2765 with glutamine.
Molecular consequence: missense variant.
Genome position (GRCh38, 1-based): chr21:46,431,758, G>A. VCF-style: chr21-46431758-G-A. GRCh37 (hg19) VCF-style: chr21-47851672-G-A.
Other names: c.7940G>A, p.Arg2647Gln (NM_001315529.2); short protein forms R2647Q, R2765Q.
Identifiers: ClinVar variation 3358290 (VCV003358290.2).
Genomic context (GRCh38, chr21:46,431,758, plus strand): 5'-AGGACCTTGCGGCTGAGAAGAGCCGCACCCTGGAGCTGTCAGAGGCCTTGCGGCACGAGC[G>A]GCTCCTGACCGAGCAGCTGAGCCAGAGGACACAGGAGGCTTGCGTGCACCAGGACACACA-3'
Protein context (NP_006022.3, residues 2755-2775): LELSEALRHE[Arg2765Gln]LLTEQLSQRT